The following is an entry in ClinVar:

ClinVar aggregate classification (germline): Uncertain significance. Review status: criteria provided, multiple submitters, no conflicts (2 of 4 stars). 2 submissions from 2 submitters: Uncertain significance (2). Last evaluated 2024-08-15.

Conditions:
Cardiomyopathy (CMYO). Also called: Cardiomyopathies. Identifiers: Orphanet 167848, MedGen C0878544, MONDO:0004994, HP:0001638. Inheritance: Various modes of inheritance.
Cardiovascular phenotype. Identifiers: MedGen CN230736.

Submissions (2):

Ambry Genetics
Classification: Uncertain significance for Cardiovascular phenotype. Last evaluated: 2024-08-15. Review status: criteria provided, single submitter. Criteria: Ambry Variant Classification Scheme 2023. Collection method: clinical testing. Allele origin: germline.
Comment: The c.37982_37984delAAG variant (also known as p.E12661del) is located in coding exon 138 of the TTN gene. This variant results from an in-frame AAG deletion at nucleotide positions 37982 to 37984. This results in the in-frame deletion of a glutamic acid at codon 12661. This amino acid position is highly conserved in available vertebrate species. In addition, this alteration is predicted to be deleterious by in silico analysis (Choi Y et al. PLoS ONE. 2012; 7(10):e46688). Based on the available evidence, the clinical significance of this variant remains unclear.

CHEO Genetics Diagnostic Laboratory, Children's Hospital of Eastern Ontario
Classification: Uncertain significance for Cardiomyopathy. Last evaluated: 2023-06-07. Review status: criteria provided, single submitter. Criteria: ACMG Guidelines, 2015. Collection method: clinical testing. Allele origin: germline.

NM_001267550.2(TTN):c.65177_65179del (p.Glu21726del)

Genes: TTN-AS1 (TTN antisense RNA 1; plus strand), TTN (titin; minus strand). Cytogenetic location: 2q31.2.
Variant type: Deletion.
Coding change: c.65177_65179del on transcript NM_001267550.2 (MANE Select); coding-DNA positions 65177 to 65179, 3 bases deleted (AAG; older notation c.65177_65179delAAG).
Protein change: p.Glu21726del; deletes glutamic acid 21726.
Molecular consequence: inframe deletion.
Genome position (GRCh38, 1-based): chr2:178,584,372-178,584,374, CTT deleted on the plus strand (AAG on the coding strand, the reverse complement: TTN is on the minus strand); deleting any 3 consecutive bases within chr2:178,584,372-178,584,376 gives the same sequence; the c. name uses the placement nearest the transcript's 3' end. VCF-style (leftmost placement, unchanged base first): chr2-178584371-CCTT-C. GRCh37 (hg19) VCF-style: chr2-179449098-CCTT-C.
Other names: c.60254_60256del, p.Glu20085del (NM_001256850.1); c.37982_37984del, p.Glu12661del (NM_003319.4); c.57473_57475del, p.Glu19158del (NM_133378.4); c.38357_38359del, p.Glu12786del (NM_133432.3); c.38558_38560del, p.Glu12853del (NM_133437.4); c.37982_37984delAAG (NM_003319.4); short protein forms E12661del, E12786del, E12853del, E19158del, E20085del, E21726del.
Identifiers: ClinVar variation 2691096 (VCV002691096.2), dbSNP rs2469136350, ClinGen allele CA2662130548.